The following is an entry in ClinVar:

ClinVar aggregate classification (germline): Benign. Review status: reviewed by expert panel (3 of 4 stars). 13 submissions from 13 submitters: Benign (1). 12 of the submissions do not count toward it. Last evaluated 2025-02-20.

Conditions:
Maturity-onset diabetes of the young (MODY). Also called: Maturity onset diabetes mellitus in young. Identifiers: Orphanet 552, MedGen C0342276, MONDO:0018911, HP:0004904.
Monogenic diabetes. Identifiers: Orphanet 183625, MedGen C3888631, MONDO:0015967.
Maturity-onset diabetes of the young type 3. Also called: MODY type 3; MODY, type III. Identifiers: Orphanet 552, MedGen C1838100, MeSH C563933, MONDO:0010894, OMIM 600496. Disease mechanism: loss of function.
Type 1 diabetes mellitus 20 (T1D20). Also called: Diabetes mellitus, insulin-dependent, 20. Identifiers: MedGen C2675866, MONDO:0012919, OMIM 612520.
Diabetes mellitus type 1 (T1D). Also called: Type I diabetes mellitus; Diabetes Mellitus, Juvenile-Onset. Identifiers: MedGen C0011854, MONDO:0005147, OMIM 222100, HP:0100651.
Type 2 diabetes mellitus. Also called: Type II diabetes mellitus. Identifiers: MedGen C0011860, MeSH D003924, MONDO:0005148, OMIM 125853, HP:0005978.

Allele frequency attached by ClinVar (database versions not stated): 1000 Genomes Project 30x 0.00016; 1000 Genomes Project 0.00020; gnomAD exomes 0.00022 and 0.00043; ESP Exome Variant Server 0.00023; gnomAD 0.00027 and 0.00028; ExAC 0.00029; TOPMed 0.00032.
gnomAD v4.1: 381 of 1,613,828 alleles (0.024%); highest among the groups gnomAD compares: Middle Eastern, 0.033%; 1 homozygote.

Submissions (13):

ClinGen Monogenic Diabetes Variant Curation Expert Panel
Classification: Benign for Monogenic diabetes. Last evaluated: 2025-02-20. Review status: reviewed by expert panel. Criteria: ClinGen Diabetes ACMG Specifications HNF1A V2.1.0. Collection method: curation. Allele origin: germline. Inheritance: Autosomal dominant inheritance.
Comment: The c.1541A>G variant in the HNF1 homeobox A gene, HNF1A, causes an amino acid change of histidine to arginine at codon 514 (p.(His514Arg)) of NM_000545.8. This variant is predicted to be deleterious by computational evidence, with a REVEL score of 0.85, which is greater than the MDEP VCEP threshold of 0.70 (PP3). However, this variant has a Grpmax Filtering allele frequency in gnomAD 2.1.1 of 0.0001150, which is greater than the MDEP threshold for BA1 (0.0001) (BA1). Additionally, this variant was identified in a patient with an alternate molecular basis for disease (BP5; internal lab contributors). In summary, c.1541A>G meets the criteria to be classified as benign for monogenic diabetes. ACMG/AMP criteria applied, as specified by the ClinGen MDEP (specification version 2.1.0, approved 08/11/2023): BA1, BP5, PP3. While this variant is benign for HNF1A-monogenic diabetes, there is evidence to suggest that this variant may act as a risk allele for type 2 diabetes (PMID: 11692182, 27899486, 36216889, 33046911).

Women's Health and Genetics/Laboratory Corporation of America, LabCorp
Classification: Benign. Last evaluated: 2026-06-01. Review status: criteria provided, single submitter. Criteria: LabCorp Variant Classification Summary - May 2015. Collection method: clinical testing. Allele origin: germline. Not counted in ClinVar's aggregate classification.
Comment: Variant summary: HNF1A c.1541A>G (p.His514Arg) results in a non-conservative amino acid change located in the Hepatocyte nuclear factor 1, beta isoform, C-terminal domain (IPR006897) of the encoded protein sequence. Algorithms developed to predict the effect of missense changes on protein structure and function are either unavailable or do not agree on the potential impact of this missense change. The variant allele was found at a frequency of 0.00043 in 251200 control chromosomes. The observed variant frequency exceeds the estimated maximal expected allele frequency for disease-causing variants in HNF1A. c.1541A>G has been reported in the literature in individuals affected with diabetes and individuals from MODY cohort studies without strong evidence of segregation (examples: Behn_1998, Gragnoli_2001,Flannick_2013, Karaca_2017, Yu_2019, Elashi_2022). These report(s) do not provide unequivocal conclusions about association of the variant with Maturity Onset Diabetes Of The Young 3. At least one publication reports experimental evidence that this variant had a reduction in transcriptional activity and abnormal nuclear localization compared to Wild-Type (Najmi_2017). The following publications have been ascertained in the context of this evaluation (PMID: 9604876, 36613572, 24097065, 11692182, 28395978, 27899486, 10333057, 31264968). ClinVar contains an entry for this variant (Variation ID: 435421). Based on the evidence outlined above, the variant was classified as benign.

Labcorp Genetics (formerly Invitae), Labcorp
Classification: Benign. Last evaluated: 2025-12-03. Review status: criteria provided, single submitter. Criteria: Invitae Variant Classification Sherloc (09022015). Collection method: clinical testing. Allele origin: germline. Not counted in ClinVar's aggregate classification.

Ambry Genetics
Classification: Benign for Maturity-onset diabetes of the young. Last evaluated: 2025-05-08. Review status: criteria provided, single submitter. Criteria: Ambry Variant Classification Scheme 2023. Collection method: clinical testing. Allele origin: germline. Not counted in ClinVar's aggregate classification.

Blueprint Genetics
Classification: Likely benign. Last evaluated: 2024-10-21. Review status: criteria provided, single submitter. Criteria: ACMG Guidelines, 2015. Collection method: clinical testing. Allele origin: germline. Not counted in ClinVar's aggregate classification.

New York Genome Center
Classification: Uncertain significance for Type 2 diabetes mellitus; Diabetes mellitus type 1; Type 1 diabetes mellitus 20; Maturity-onset diabetes of the young type 3. Last evaluated: 2022-10-26. Review status: criteria provided, single submitter. Criteria: NYGC Assertion Criteria 2020. Collection method: clinical testing. Allele origin: germline. Observed: 2 heterozygotes. Clinical features observed: Hyperlipidemia (HP:0003077), Type 2 diabetes mellitus (HP:0005978). Not counted in ClinVar's aggregate classification.
Comment: The c.1541A>G variant identified in the HNF1A gene has been previously reported in individuals with diabetes in the literature [PMID:31264968, 28395978, 27899486, others], however it has also been reported in individuals without family history of diabetes [PMID: 31264968]. This variant has been reported in ClinVar as both a Variant of Uncertain Significance and as Likely Benign (VarID:435421). The c.1541A>G variant is observed in population databases (gnomADv2.1, gnomADv3.1.2, BRAVO-TOPMed) with highest allele frequency of 3.96e-4-4 (112 heterozygotes, 0 homozygotes, gnomADv2.1). The c.1541A>G variant is located within exon 8 of this 10-exon gene and is predicted to substitute a evolutionarily well conserved Histidine for Arginine at amino acid 514/632 (p.(His514Arg)),outside of predicted domains of HNF1A (UniProtKB:P20823). In silico algorithms predict this variant to have a damaging effect to protein function (REVEL=0.85) and this is supported by in vitro functional studies suggest that the p.His514Arg variant results in a functionally impaired protein with ~50-60% activity, and that this variant may lead to aggregation of HNF1A within the cell [PMID: 27899486]. Additional studies are needed to confirm this in vitro finding and clinical correlation with moderately reduced functional impairment is needed. Based on the available evidence, the c.1541A>G p.(His514Arg) variant identified in the HNF1A gene is reported as a Variant of Uncertain Significance.

GeneDx
Classification: Uncertain significance. Last evaluated: 2020-12-21. Review status: criteria provided, single submitter. Criteria: GeneDx Variant Classification Process June 2021. Collection method: clinical testing. Allele origin: germline. Affected: yes. Not counted in ClinVar's aggregate classification.
Comment: In silico analysis supports that this missense variant has a deleterious effect on protein structure/function; This variant is associated with the following publications: (PMID: 32910913, 31264968, 28395978, 27899486, 24097065, 11692182)

Laboratory for Molecular Medicine, Mass General Brigham Personalized Medicine
Classification: Likely benign. Last evaluated: 2020-11-06. Review status: criteria provided, single submitter. Criteria: ACMG Guidelines, 2015. Collection method: clinical testing. Allele origin: germline. Not counted in ClinVar's aggregate classification.
Comment: The p.His514Arg variant in HNF1A is classified as likely benign because it has been identified in 0.8% (83/10366) of Ashkenazi Jewish chromosomes by gnomAD. Computational prediction tools and conservation analyses do not provide strong support for or against an impact to the protein. ACMG/AMP Criteria applied: BS1.

Mendelics
Classification: Uncertain significance for Maturity-onset diabetes of the young type 3. Last evaluated: 2019-05-28. Review status: criteria provided, single submitter. Criteria: Mendelics Assertion Criteria 2017. Collection method: clinical testing. Allele origin: unknown. Not counted in ClinVar's aggregate classification.

CeGaT Center for Human Genetics Tuebingen
Classification: Uncertain significance. Last evaluated: 2018-06-01. Review status: criteria provided, single submitter. Criteria: CeGaT Center For Human Genetics Tuebingen Variant Classification Criteria Version 2. Collection method: clinical testing. Allele origin: germline. Affected: yes. Observed: 1 variant allele. Not counted in ClinVar's aggregate classification.

Illumina Laboratory Services, Illumina
Classification: Uncertain significance for Maturity-onset diabetes of the young type 3. Last evaluated: 2017-04-27. Review status: criteria provided, single submitter. Criteria: ICSL Variant Classification Criteria 13 December 2019. Collection method: clinical testing. Allele origin: germline. Not counted in ClinVar's aggregate classification.

Personalized Diabetes Medicine Program, University of Maryland School of Medicine
Classification: Uncertain significance for Monogenic diabetes. Last evaluated: 2017-03-24. Review status: criteria provided, single submitter. Criteria: ACMG Guidelines, 2015. Collection method: research. Allele origin: unknown. Observed: 1 variant allele, 1 heterozygote. Study: Personalized Diabetes Medicine Program. Not counted in ClinVar's aggregate classification.
Comment: ACMG Criteria:PP3 (8 predictors), BP4 (2 predictors), PS3 (PMID: 27899486 shows decreased activity and altered localization)

Genetic Services Laboratory, University of Chicago
Classification: Uncertain significance. Last evaluated: 2017-01-17. Review status: criteria provided, single submitter. Criteria: ACMG Guidelines, 2015. Collection method: clinical testing. Allele origin: germline. Affected: no. Not counted in ClinVar's aggregate classification.

Literature cited by the submitters: PubMed 11692182 (cited by 3 submitters); PubMed 27899486 (cited by 4 submitters); PubMed 36216889 (cited by ClinGen Monogenic Diabetes Variant Curation Expert Panel); PubMed 33046911 (cited by ClinGen Monogenic Diabetes Variant Curation Expert Panel); PubMed 10333057 (cited by Women's Health and Genetics/Laboratory Corporation of America, LabCorp); PubMed 9604876 (cited by Women's Health and Genetics/Laboratory Corporation of America, LabCorp); PubMed 24097065 (cited by Women's Health and Genetics/Laboratory Corporation of America, LabCorp and Ambry Genetics); PubMed 31264968 (cited by Women's Health and Genetics/Laboratory Corporation of America, LabCorp); PubMed 36613572 (cited by Women's Health and Genetics/Laboratory Corporation of America, LabCorp); PubMed 28395978 (cited by Women's Health and Genetics/Laboratory Corporation of America, LabCorp and Ambry Genetics); PubMed 23348805 (cited by Ambry Genetics); PubMed 25555642 (cited by Ambry Genetics).

NM_000545.8(HNF1A):c.1541A>G (p.His514Arg)

Gene: HNF1A (HNF1 homeobox A; plus strand). Cytogenetic location: 12q24.31.
Variant type: single nucleotide variant.
Coding change: c.1541A>G on transcript NM_000545.8 (MANE Select); coding-DNA position 1541, A replaced by G.
Protein change: p.His514Arg; replaces histidine 514 with arginine.
Molecular consequence: missense variant.
Genome position (GRCh38, 1-based): chr12:120,999,307, A>G. VCF-style: chr12-120999307-A-G. GRCh37 (hg19) VCF-style: chr12-121437110-A-G.
Other names: NM_000545.8(HNF1A):c.1541A>G; p.His514Arg; c.1541A>G, p.His514Arg (NM_001306179.2); short protein forms H514R.
Identifiers: ClinVar variation 435421 (VCV000435421.72), dbSNP rs202039659, ClinGen allele CA6832103.
Genomic context (GRCh38, chr12:120,999,307, plus strand): 5'-CCCTCTCTCCCCTGCGGCCAGCCCTCTACAGCCACAAGCCCGAGGTGGCCCAGTACACCC[A>G]CACGGGCCTGCTCCCGCAGACTATGCTCATCACCGACACCACCAACCTGAGCGCCCTGGC-3'
Protein context (NP_000536.6, residues 504-524): SHKPEVAQYT[His514Arg]TGLLPQTMLI